The following is an entry in ClinVar:

ClinVar aggregate classification (germline): Uncertain significance (1 of 4 stars; one submission).

Submission:

GeneDx
Classification: Uncertain significance. Last evaluated: 2019-07-29. Review status: criteria provided, single submitter. Criteria: GeneDx Variant Classification Process June 2021. Collection method: clinical testing. Allele origin: germline. Affected: yes.
Comment: Not observed in large population cohorts (Lek et al., 2016); In silico analysis, which includes protein predictors and evolutionary conservation, supports a deleterious effect; Has not been previously published as pathogenic or benign to our knowledge

NM_006941.4(SOX10):c.457T>A (p.Phe153Ile)

Genes: POLR2F (RNA polymerase II, I and III subunit F; plus strand), SOX10 (SRY-box transcription factor 10; minus strand). Cytogenetic location: 22q13.1.
Variant type: single nucleotide variant.
Coding change: c.457T>A on transcript NM_006941.4 (MANE Select); coding-DNA position 457, T replaced by A.
Protein change: p.Phe153Ile; replaces phenylalanine 153 with isoleucine.
Molecular consequence: missense variant. On other transcripts: intron variant (3).
Genome position (GRCh38, 1-based): chr22:37,978,107, A>T on the plus strand (T>A on the coding strand, the complement: SOX10 is on the minus strand). VCF-style: chr22-37978107-A-T. GRCh37 (hg19) VCF-style: chr22-38374114-A-T.
Other names: c.*38+5797A>T (NM_001363825.1); c.294-8047A>T (NM_001301130.2); c.293+10937A>T (NM_001301131.2); short protein forms F153I.
Identifiers: ClinVar variation 1304154 (VCV001304154.4), dbSNP rs2145768609, ClinGen allele CA411498102.